The following is an entry in ClinVar:

ClinVar aggregate classification (germline): Uncertain significance (1 of 4 stars; one submission).

Conditions:
Familial Mediterranean fever (FMF). Also called: POLYSEROSITIS, FAMILIAL PAROXYSMAL; POLYSEROSITIS, RECURRENT; Periodic peritonitis; Benign paroxysmal peritonitis. Identifiers: Orphanet 342, MedGen C0031069, MONDO:0018088, OMIM 249100. Disease mechanism: gain of function.

gnomAD v4.1: 1 of 1,613,856 alleles (0.000062%); highest among the groups gnomAD compares: African/African-American, 0.0013%; no homozygotes.

Submission:

3billion
Classification: Uncertain significance for Familial Mediterranean fever. Last evaluated: 2024-01-04. Review status: criteria provided, single submitter. Criteria: ACMG Guidelines, 2015. Collection method: clinical testing. Allele origin: germline. Affected: yes.
Comment: The variant is not observed in the gnomAD v2.1.1 dataset. Predicted Consequence/Location: Missense variant In silico tool predictions suggest damaging effect of the variant on gene or gene product [REVEL: 0.72 (>=0.6, sensitivity 0.68 and specificity 0.92); 3Cnet: 0.93 (>=0.6, sensitivity 0.72 and precision 0.9)]. A different missense change at the same codon (p.Glu656Ala) has been reported to be associated with MEFV- related disorder (PMID: 11464238). However the evidence of pathogenicity is insufficient at this time. Therefore, this variant is classified as VUS according to the recommendation of ACMG/AMP guideline.

Literature cited by the submitters: PubMed 11464238.

NM_000243.3(MEFV):c.1966G>A (p.Glu656Lys)

Genes: MEFV (MEFV innate immunity regulator, pyrin; minus strand), LOC126862264 (CDK7 strongly-dependent group 2 enhancer GRCh37_chr16:3293322-3294521; plus strand). Cytogenetic location: 16p13.3.
Variant type: single nucleotide variant.
Coding change: c.1966G>A on transcript NM_000243.3 (MANE Select); coding-DNA position 1966, G replaced by A.
Protein change: p.Glu656Lys; replaces glutamic acid 656 with lysine.
Molecular consequence: missense variant. On other transcripts: 3 prime UTR variant (1).
Genome position (GRCh38, 1-based): chr16:3,243,521, C>T on the plus strand (G>A on the coding strand, the complement: MEFV is on the minus strand). VCF-style: chr16-3243521-C-T. GRCh37 (hg19) VCF-style: chr16-3293521-C-T.
Other names: c.*170G>A (NM_001198536.2); short protein forms E656K.
Identifiers: ClinVar variation 3775586 (VCV003775586.1).